The following is an entry in ClinVar:

NM_001244008.2(KIF1A):c.734G>T (p.Ser245Ile)

Gene: KIF1A (kinesin family member 1A; minus strand). Cytogenetic location: 2q37.3.
Variant type: single nucleotide variant.
Coding change: c.734G>T on transcript NM_001244008.2 (MANE Select); coding-DNA position 734, G replaced by T.
Protein change: p.Ser245Ile; replaces serine 245 with isoleucine.
Molecular consequence: missense variant.
Genome position (GRCh38, 1-based): chr2:240,783,803, C>A on the plus strand (G>T on the coding strand, the complement: KIF1A is on the minus strand). VCF-style: chr2-240783803-C-A. GRCh37 (hg19) VCF-style: chr2-241723220-C-A.
Other names: c.734G>T, p.Ser245Ile (NM_001320705.2, NM_001330289.2, NM_001330290.2 and 20 more transcripts); short protein forms S245I.
Identifiers: ClinVar variation 3753715 (VCV003753715.2).
Genomic context (GRCh38, chr2:240,783,803, plus strand): 5'-AGGCGCGTGCCCTTGGCTCCCGTGGAGTCAGCCCGCTCGCTCCCAGCCAGGTCCACCAGG[C>A]TGATTTTGCTCACCTGAAACAGTAGATACATCACATGCAGGAAAGGCCACAAGATGCGCG-3'
Protein context (NP_001230937.1, residues 235-255): NITTEKVSKI[Ser245Ile]LVDLAGSERA

ClinVar aggregate classification (germline): Uncertain significance (1 of 4 stars; one submission).

Conditions:
Neuropathy, hereditary sensory, type 2C. Also called: KIF1A-Related HSAN2 (HSAN2C); Hereditary sensory and autonomic neuropathy type IIC. Identifiers: Orphanet 970, MedGen C3280168, MONDO:0013634, OMIM 614213.
Hereditary spastic paraplegia 30. Identifiers: Orphanet 101010, MedGen C5235139, MONDO:0012476.
Intellectual disability, autosomal dominant 9 (NESCAVS). Also called: KIF1A-Related Neurodevelopmental Disorder; NESCAV SYNDROME. Identifiers: Orphanet 662367, MedGen C5393830, MONDO:0013656, OMIM 614255.

Submission:

Labcorp Genetics (formerly Invitae), Labcorp
Classification: Uncertain significance for Hereditary spastic paraplegia 30; Neuropathy, hereditary sensory, type 2C; Intellectual disability, autosomal dominant 9. Last evaluated: 2024-09-04. Review status: criteria provided, single submitter. Criteria: Invitae Variant Classification Sherloc (09022015). Collection method: clinical testing. Allele origin: germline.
Comment: This sequence change replaces serine, which is neutral and polar, with isoleucine, which is neutral and non-polar, at codon 245 of the KIF1A protein (p.Ser245Ile). This variant is not present in population databases (gnomAD no frequency). This variant has not been reported in the literature in individuals affected with KIF1A-related conditions. Invitae Evidence Modeling of protein sequence and biophysical properties (such as structural, functional, and spatial information, amino acid conservation, physicochemical variation, residue mobility, and thermodynamic stability) indicates that this missense variant is expected to disrupt KIF1A protein function with a positive predictive value of 95%. In summary, the available evidence is currently insufficient to determine the role of this variant in disease. Therefore, it has been classified as a Variant of Uncertain Significance.